The following is an entry in ClinVar:

ClinVar aggregate classification (germline): Uncertain significance (1 of 4 stars; one submission).

Submission:

Ambry Genetics
Classification: Uncertain significance. Last evaluated: 2024-07-24. Review status: criteria provided, single submitter. Criteria: Ambry Variant Classification Scheme 2023. Collection method: clinical testing. Allele origin: germline.
Comment: The p.G160V variant (also known as c.479G>T), located in coding exon 1 of the TERF2IP gene, results from a G to T substitution at nucleotide position 479. The glycine at codon 160 is replaced by valine, an amino acid with dissimilar properties. This amino acid position is conserved. In addition, this alteration is predicted to be deleterious by in silico analysis. Based on the available evidence, the clinical significance of this variant remains unclear.

NM_018975.4(TERF2IP):c.479G>T (p.Gly160Val)

Gene: TERF2IP (TERF2 interacting protein; plus strand). Cytogenetic location: 16q23.1.
Variant type: single nucleotide variant.
Coding change: c.479G>T on transcript NM_018975.4 (MANE Select); coding-DNA position 479, G replaced by T.
Protein change: p.Gly160Val; replaces glycine 160 with valine.
Molecular consequence: missense variant. On other transcripts: non-coding transcript variant (1).
Genome position (GRCh38, 1-based): chr16:75,648,361, G>T. VCF-style: chr16-75648361-G-T. GRCh37 (hg19) VCF-style: chr16-75682259-G-T.
Other names: short protein forms G160V.
Identifiers: ClinVar variation 3455108 (VCV003455108.1).